The following is an entry in ClinVar:

NM_015122.3(FCHO1):c.1780G>A (p.Ala594Thr)

Gene: FCHO1 (FCH and mu domain containing endocytic adaptor 1; plus strand). Cytogenetic location: 19p13.11.
Variant type: single nucleotide variant.
Coding change: c.1780G>A on transcript NM_015122.3 (MANE Select); coding-DNA position 1780, G replaced by A.
Protein change: p.Ala594Thr; replaces alanine 594 with threonine.
Molecular consequence: missense variant. On other transcripts: non-coding transcript variant (36).
Genome position (GRCh38, 1-based): chr19:17,781,491, G>A. VCF-style: chr19-17781491-G-A. GRCh37 (hg19) VCF-style: chr19-17892300-G-A.
Other names: c.1630G>A, p.Ala544Thr (NM_001384386.1, NM_001161359.2, NM_001384384.1 and 1 more transcripts); c.1780G>A, p.Ala594Thr (NM_001384387.1, NM_001161357.2, NM_001161358.2 and 13 more transcripts); c.1741G>A, p.Ala581Thr (NM_001384388.1, NM_001384389.1, NM_001384405.1); c.1705G>A, p.Ala569Thr (NM_001384390.1); c.1504G>A, p.Ala502Thr (NM_001384401.1, NM_001384402.1, NM_001384404.1 and 5 more transcripts); c.1459G>A, p.Ala487Thr (NM_001384403.1); c.1354G>A, p.Ala452Thr (NM_001384406.1); c.1210G>A, p.Ala404Thr (NM_001384407.1); and 2 more; short protein forms A544T, A569T, A594T, A404T, A452T, A502T, A581T, A487T.
Identifiers: ClinVar variation 1448020 (VCV001448020.8), dbSNP rs371005650, ClinGen allele CA9300630.

ClinVar aggregate classification (germline): Uncertain significance. Review status: criteria provided, multiple submitters, no conflicts (2 of 4 stars). 2 submissions from 2 submitters: Uncertain significance (2). Last evaluated 2025-12-22.

Allele frequency attached by ClinVar (database versions not stated): ExAC 0.00003; gnomAD exomes 0.00004; gnomAD 0.00005 and 0.00006; TOPMed 0.00006; ESP Exome Variant Server 0.00015.
gnomAD v4.1: 74 of 1,613,882 alleles (0.0046%); highest among the groups gnomAD compares: African/African-American, 0.013%; no homozygotes.

Submissions (2):

Ambry Genetics
Classification: Uncertain significance. Last evaluated: 2025-12-22. Review status: criteria provided, single submitter. Criteria: Ambry Variant Classification Scheme 2023. Collection method: clinical testing. Allele origin: germline.

Labcorp Genetics (formerly Invitae), Labcorp
Classification: Uncertain significance. Last evaluated: 2025-01-20. Review status: criteria provided, single submitter. Criteria: Invitae Variant Classification Sherloc (09022015). Collection method: clinical testing. Allele origin: germline.
Comment: This sequence change replaces alanine, which is neutral and non-polar, with threonine, which is neutral and polar, at codon 594 of the FCHO1 protein (p.Ala594Thr). This variant is present in population databases (rs371005650, gnomAD 0.007%). This variant has not been reported in the literature in individuals affected with FCHO1-related conditions. ClinVar contains an entry for this variant (Variation ID: 1448020). An algorithm developed to predict the effect of missense changes on protein structure and function outputs the following: PolyPhen-2: "Benign". The threonine amino acid residue is found in multiple mammalian species, which suggests that this missense change does not adversely affect protein function. In summary, the available evidence is currently insufficient to determine the role of this variant in disease. Therefore, it has been classified as a Variant of Uncertain Significance.